The following is an entry in ClinVar:

ClinVar aggregate classification (germline): Pathogenic/Likely pathogenic. Review status: criteria provided, multiple submitters, no conflicts (2 of 4 stars). 2 submissions from 2 submitters: Pathogenic (1); Likely pathogenic (1). Last evaluated 2026-04-02.

Conditions:
Hereditary cancer-predisposing syndrome. Also called: Neoplastic Syndromes, Hereditary; Tumor predisposition; Hereditary Cancer Syndrome; Hereditary neoplastic syndrome. Identifiers: Orphanet 140162, MedGen C0027672, MeSH D009386, MONDO:0015356.
Familial adenomatous polyposis 1 (FAP1). Also called: FAMILIAL ADENOMATOUS POLYPOSIS 1, ATTENUATED; POLYPOSIS, ADENOMATOUS INTESTINAL. Identifiers: MedGen C2713442, MONDO:0021056, OMIM 175100. Disease mechanism: loss of function.

Submissions (2):

Ambry Genetics
Classification: Likely pathogenic for Hereditary cancer-predisposing syndrome. Last evaluated: 2026-04-02. Review status: criteria provided, single submitter. Criteria: Ambry Variant Classification Scheme 2023. Collection method: clinical testing. Allele origin: germline.
Comment: The c.7619delC variant, located in coding exon 15 of the APC gene, results from a deletion of one nucleotide at nucleotide position 7619, causing a translational frameshift with a predicted alternate stop codon (p.P2540Qfs*22). This variant occurs at the 3' terminus of the gene, is not expected to trigger nonsense-mediated mRNA decay, and impacts the last 10% of the protein. However, premature stop codons are typically deleterious in nature and a significant portion of the protein is affected (Ambry internal data). This variant is considered to be rare based on population cohorts in the Genome Aggregation Database (gnomAD). Based on the majority of available evidence to date, this variant is likely to be pathogenic.

Myriad Genetics, Inc.
Classification: Pathogenic for Familial adenomatous polyposis 1. Last evaluated: 2023-05-16. Review status: criteria provided, single submitter. Criteria: Myriad Autosomal Dominant, Autosomal Recessive and X-Linked Classification Criteria (2023). Collection method: clinical testing. Allele origin: unknown.
Comment: This variant is considered pathogenic. This variant creates a frameshift predicted to result in premature protein truncation.

NM_000038.6(APC):c.7619del (p.Pro2540fs)

Gene: APC (APC regulator of Wnt signaling pathway; plus strand). Cytogenetic location: 5q22.2.
Variant type: Deletion.
Coding change: c.7619del on transcript NM_000038.6 (MANE Select); coding-DNA position 7619, one base deleted (C; older notation c.7619delC).
Protein change: p.Pro2540fs; shifts the reading frame from proline 2540.
Molecular consequence: frameshift variant. On other transcripts: non-coding transcript variant (2).
Genome position (GRCh38, 1-based): chr5:112,843,213, C deleted; the last of 2 consecutive C bases (chr5:112,843,212-112,843,213); deleting either gives the same sequence. VCF-style (leftmost placement, unchanged base first): chr5-112843211-TC-T. GRCh37 (hg19) VCF-style: chr5-112178908-TC-T.
Other names: c.7619delC (NM_000038.5); c.7619del, p.Pro2540fs (NM_001127510.3, NM_001354895.2, NM_001407450.1); c.7565del, p.Pro2522fs (NM_001127511.3); c.7673del, p.Pro2558fs (NM_001354896.2, NM_001407447.1, NM_001407448.1 and 1 more transcripts); c.7649del, p.Pro2550fs (NM_001354897.2); c.7544del, p.Pro2515fs (NM_001354898.2); c.7535del, p.Pro2512fs (NM_001354899.2); c.7496del, p.Pro2499fs (NM_001354900.2); and 12 more; short protein forms P2156fs, P2257fs, P2380fs, P2411fs, P2414fs, P2439fs, P2449fs, P2457fs.
Identifiers: ClinVar variation 2583238 (VCV002583238.3), dbSNP rs1172624671, ClinGen allele CA802027786.